The following is an entry in ClinVar:

ClinVar aggregate classification (germline): Uncertain significance (1 of 4 stars; one submission).

Submission:

Labcorp Genetics (formerly Invitae), Labcorp
Classification: Uncertain significance. Last evaluated: 2023-06-04. Review status: criteria provided, single submitter. Criteria: Invitae Variant Classification Sherloc (09022015). Collection method: clinical testing. Allele origin: germline.
Comment: This variant has not been reported in the literature in individuals affected with HMCN1-related conditions. An algorithm developed to predict the effect of missense changes on protein structure and function (PolyPhen-2) suggests that this variant is likely to be tolerated. In summary, the available evidence is currently insufficient to determine the role of this variant in disease. Therefore, it has been classified as a Variant of Uncertain Significance. This variant is not present in population databases (gnomAD no frequency). This sequence change replaces glycine, which is neutral and non-polar, with glutamic acid, which is acidic and polar, at codon 4653 of the HMCN1 protein (p.Gly4653Glu).

NM_031935.3(HMCN1):c.13958G>A (p.Gly4653Glu)

Gene: HMCN1 (hemicentin 1; plus strand). Cytogenetic location: 1q31.1.
Variant type: single nucleotide variant.
Coding change: c.13958G>A on transcript NM_031935.3 (MANE Select); coding-DNA position 13958, G replaced by A.
Protein change: p.Gly4653Glu; replaces glycine 4653 with glutamic acid.
Molecular consequence: missense variant.
Genome position (GRCh38, 1-based): chr1:186,144,206, G>A. VCF-style: chr1-186144206-G-A. GRCh37 (hg19) VCF-style: chr1-186113338-G-A.
Other names: short protein forms G4653E.
Identifiers: ClinVar variation 2796068 (VCV002796068.3), dbSNP rs1349399806, ClinGen allele CA343914245.